The following is an entry in ClinVar:

NM_001134407.3(GRIN2A):c.1329-272A>G

Gene: GRIN2A (glutamate ionotropic receptor NMDA type subunit 2A; minus strand). Cytogenetic location: 16p13.2.
Variant type: single nucleotide variant.
Coding change: c.1329-272A>G on transcript NM_001134407.3 (MANE Select); 272 bases into the intron before coding-DNA position 1329, A replaced by G.
Molecular consequence: intron variant.
Genome position (GRCh38, 1-based): chr16:9,841,376, T>C on the plus strand (A>G on the coding strand, the complement: GRIN2A is on the minus strand). VCF-style: chr16-9841376-T-C. GRCh37 (hg19) VCF-style: chr16-9935233-T-C.
Other names: c.1329-272A>G (NM_001134408.2, NM_000833.5).
Identifiers: ClinVar variation 669784 (VCV000669784.1), dbSNP rs7200793, ClinGen allele CA278181516.

ClinVar aggregate classification (germline): Benign (1 of 4 stars; one submission).

Allele frequency attached by ClinVar (database versions not stated): gnomAD 0.04451 and 0.04773; TOPMed 0.04939; 1000 Genomes Project 0.04952; 1000 Genomes Project 30x 0.05418.
gnomAD v4.1: 6,705 of 152,304 alleles (4.4%); highest among the groups gnomAD compares: African/African-American, 15%; 502 homozygotes.

Submission:

GeneDx
Classification: Benign. Last evaluated: 2018-06-19. Review status: criteria provided, single submitter. Criteria: GeneDx Variant Classification (06012015). Collection method: clinical testing. Allele origin: germline. Affected: yes.
Comment: This variant is considered likely benign or benign based on one or more of the following criteria: it is a conservative change, it occurs at a poorly conserved position in the protein, it is predicted to be benign by multiple in silico algorithms, and/or has population frequency not consistent with disease.